The following is an entry in ClinVar:

ClinVar aggregate classification (germline): Uncertain significance (1 of 4 stars; one submission).

Allele frequency attached by ClinVar (database versions not stated): gnomAD 0.00001; TOPMed 0.00003.
gnomAD v4.1: 3 of 1,584,796 alleles (0.00019%); highest among the groups gnomAD compares: Admixed American, 0.0034%; no homozygotes.

Submission:

Labcorp Genetics (formerly Invitae), Labcorp
Classification: Uncertain significance. Last evaluated: 2023-02-20. Review status: criteria provided, single submitter. Criteria: Invitae Variant Classification Sherloc (09022015). Collection method: clinical testing. Allele origin: germline.
Comment: In summary, the available evidence is currently insufficient to determine the role of this variant in disease. Therefore, it has been classified as a Variant of Uncertain Significance. Algorithms developed to predict the effect of sequence changes on RNA splicing suggest that this variant may create or strengthen a splice site. This variant has not been reported in the literature in individuals affected with ACAN-related conditions. This variant is not present in population databases (gnomAD no frequency). This sequence change falls in intron 6 of the ACAN gene. It does not directly change the encoded amino acid sequence of the ACAN protein.

NM_001369268.1(ACAN):c.1052-14T>A

Gene: ACAN (aggrecan; plus strand). Cytogenetic location: 15q26.1.
Variant type: single nucleotide variant.
Coding change: c.1052-14T>A on transcript NM_001369268.1 (MANE Select); 14 bases into the intron before coding-DNA position 1052, T replaced by A.
Molecular consequence: intron variant.
Genome position (GRCh38, 1-based): chr15:88,845,491, T>A. VCF-style: chr15-88845491-T-A. GRCh37 (hg19) VCF-style: chr15-89388722-T-A.
Other names: c.1052-14T>A (NM_001411096.1, NM_001135.4, NM_013227.4 and 1 more transcripts).
Identifiers: ClinVar variation 2961910 (VCV002961910.3), dbSNP rs1896769380, ClinGen allele CA972555205.